The following is an entry in ClinVar:

NM_000217.3(KCNA1):c.-959C>T

Gene: KCNA1 (potassium voltage-gated channel subfamily A member 1; plus strand). Cytogenetic location: 12p13.32.
Variant type: single nucleotide variant.
Coding change: c.-959C>T on transcript NM_000217.3 (MANE Select); 959 bases upstream of the start codon, C replaced by T.
Molecular consequence: 5 prime UTR variant.
Genome position (GRCh38, 1-based): chr12:4,910,053, C>T. VCF-style: chr12-4910053-C-T. GRCh37 (hg19) VCF-style: chr12-5019219-C-T.
Identifiers: ClinVar variation 309126 (VCV000309126.6), dbSNP rs11831584, ClinGen allele CA10637680.

ClinVar aggregate classification (germline): Benign (1 of 4 stars; one submission).

Conditions:
Episodic ataxia type 1 (EA1). Also called: ATAXIA, EPISODIC, WITH MYOKYMIA; MYOKYMIA WITH PERIODIC ATAXIA; PAROXYSMAL ATAXIA WITH NEUROMYOTONIA, HEREDITARY; Episodic ataxia/myokymia syndrome. Identifiers: Orphanet 37612, Orphanet 972, MedGen C1719788, MONDO:0008047, OMIM 160120.

Allele frequency attached by ClinVar (database versions not stated): gnomAD exomes 0.00402; gnomAD 0.03338 and 0.03555; 1000 Genomes Project 0.03614; TOPMed 0.03674; 1000 Genomes Project 30x 0.03826.

Submission:

Illumina Laboratory Services, Illumina
Classification: Benign for Episodic ataxia type 1. Last evaluated: 2018-01-13. Review status: criteria provided, single submitter. Criteria: ICSL Variant Classification Criteria 13 December 2019. Collection method: clinical testing. Allele origin: germline.
Comment: This variant was observed in the ICSL laboratory as part of a predisposition screen in an ostensibly healthy population. It had not been previously curated by ICSL or reported in the Human Gene Mutation Database (HGMD: prior to June 1st, 2018), and was therefore a candidate for classification through an automated scoring system. Utilizing variant allele frequency, disease prevalence and penetrance estimates, and inheritance mode, an automated score was calculated to assess if this variant is too frequent to cause the disease. Based on the score and internal cut-off values, a variant classified as benign is not then subjected to further curation. The score for this variant resulted in a classification of benign for this disease.